The following is an entry in ClinVar:

ClinVar aggregate classification (germline): Uncertain significance (1 of 4 stars; one submission).

Conditions:
Anterior segment dysgenesis. Also called: Ocular anterior segment dysgenesis. Identifiers: Orphanet 88632, MedGen C1862839, MONDO:0019503, HP:0007700.
Congenital primary aphakia. Also called: Anterior segment dysgenesis 2, multiple subtypes; ANTERIOR SEGMENT DYSGENESIS 2. Identifiers: Orphanet 83461, MedGen C1853230, MONDO:0012456, OMIM 610256.

Submission:

Labcorp Genetics (formerly Invitae), Labcorp
Classification: Uncertain significance for Anterior segment dysgenesis; Congenital primary aphakia. Last evaluated: 2026-01-06. Review status: criteria provided, single submitter. Criteria: Invitae Variant Classification Sherloc (09022015). Collection method: clinical testing. Allele origin: germline.
Comment: This sequence change replaces glycine, which is neutral and non-polar, with valine, which is neutral and non-polar, at codon 207 of the FOXE3 protein (p.Gly207Val). This variant is not present in population databases (gnomAD no frequency). This variant has not been reported in the literature in individuals affected with FOXE3-related conditions. Invitae Evidence Modeling of protein sequence and biophysical properties (such as structural, functional, and spatial information, amino acid conservation, physicochemical variation, residue mobility, and thermodynamic stability) indicates that this missense variant is not expected to disrupt FOXE3 protein function with a negative predictive value of 80%. In summary, the available evidence is currently insufficient to determine the role of this variant in disease. Therefore, it has been classified as a Variant of Uncertain Significance.

NM_012186.3(FOXE3):c.620G>T (p.Gly207Val)

Genes: FOXE3 (forkhead box E3; plus strand), LINC01389 (long independently transcribed non-coding RNA 1389; minus strand). Cytogenetic location: 1p33.
Variant type: single nucleotide variant.
Coding change: c.620G>T on transcript NM_012186.3 (MANE Select); coding-DNA position 620, G replaced by T.
Protein change: p.Gly207Val; replaces glycine 207 with valine.
Molecular consequence: missense variant.
Genome position (GRCh38, 1-based): chr1:47,416,935, G>T. VCF-style: chr1-47416935-G-T. GRCh37 (hg19) VCF-style: chr1-47882607-G-T.
Other names: short protein forms G207V.
Identifiers: ClinVar variation 4788426 (VCV004788426.1).